The following is an entry in ClinVar:

ClinVar aggregate classification (germline): Pathogenic (1 of 4 stars; one submission).

Conditions:
Arrhythmogenic cardiomyopathy with wooly hair and keratoderma. Also called: Arrhythmogenic cardiomyopathy with woolly hair and keratoderma; PALMOPLANTAR KERATODERMA WITH LEFT VENTRICULAR CARDIOMYOPATHY AND WOOLLY HAIR; Carvajal syndrome; Dilated cardiomyopathy with woolly hair and keratoderma. Identifiers: Orphanet 65282, MedGen C1854063, MONDO:0011581, OMIM 605676.
Arrhythmogenic right ventricular dysplasia 8 (ARVD8). Also called: Arrhythmogenic Right Ventricular Dysplasia/Cardiomyopathy 8; ARRHYTHMOGENIC RIGHT VENTRICULAR DYSPLASIA, FAMILIAL, 8; ARRHYTHMOGENIC RIGHT VENTRICULAR CARDIOMYOPATHY 8. Identifiers: MedGen C1843896, MONDO:0011831, OMIM 607450.

Submission:

Labcorp Genetics (formerly Invitae), Labcorp
Classification: Pathogenic for Arrhythmogenic cardiomyopathy with wooly hair and keratoderma; Arrhythmogenic right ventricular dysplasia 8. Last evaluated: 2023-10-11. Review status: criteria provided, single submitter. Criteria: Invitae Variant Classification Sherloc (09022015). Collection method: clinical testing. Allele origin: germline.
Comment: This sequence change creates a premature translational stop signal (p.Tyr28*) in the DSP gene. It is expected to result in an absent or disrupted protein product. Loss-of-function variants in DSP are known to be pathogenic (PMID: 20716751, 24503780, 25227139). This variant is not present in population databases (gnomAD no frequency). This variant has not been reported in the literature in individuals affected with DSP-related conditions. For these reasons, this variant has been classified as Pathogenic.

Literature cited by the submitters: PubMed 20716751; PubMed 24503780; PubMed 25227139.

NM_004415.4(DSP):c.84C>A (p.Tyr28Ter)

Genes: DSP (desmoplakin; plus strand), DSP-AS1 (DSP antisense RNA 1; minus strand). Cytogenetic location: 6p24.3.
Variant type: single nucleotide variant.
Coding change: c.84C>A on transcript NM_004415.4 (MANE Select); coding-DNA position 84, C replaced by A.
Protein change: p.Tyr28Ter; replaces tyrosine 28 with a stop codon.
Molecular consequence: nonsense.
Genome position (GRCh38, 1-based): chr6:7,541,999, C>A. VCF-style: chr6-7541999-C-A. GRCh37 (hg19) VCF-style: chr6-7542232-C-A.
Other names: c.84C>A, p.Tyr28Ter (NM_001008844.3, NM_001319034.2, NM_001406591.1); short protein forms Y28*.
Identifiers: ClinVar variation 2943308 (VCV002943308.3), dbSNP rs2533800954, ClinGen allele CA362675731.